The following is an entry in ClinVar:

NM_032888.4(COL27A1):c.1895del (p.Asp632fs)

Gene: COL27A1 (collagen type XXVII alpha 1 chain; plus strand). Cytogenetic location: 9q32.
Variant type: Deletion.
Coding change: c.1895del on transcript NM_032888.4 (MANE Select); coding-DNA position 1895, one base deleted (A; older notation c.1895delA).
Protein change: p.Asp632fs; shifts the reading frame from aspartic acid 632.
Molecular consequence: frameshift variant.
Genome position (GRCh38, 1-based): chr9:114,169,450, A deleted. VCF-style (leftmost placement, unchanged base first): chr9-114169449-GA-G. GRCh37 (hg19) VCF-style: chr9-116931729-GA-G.
Other names: c.1895delA (NM_032888.4); short protein forms D632fs.
Identifiers: ClinVar variation 3233479 (VCV003233479.2), dbSNP rs773501392, ClinGen allele CA5201506.
Genomic context (GRCh38, chr9:114,169,449, plus strand): 5'-TTCCACCTGGCAGGATCTACGCCTTTCCCTCTGCTGATGGGGCCTCCGGGACCCAAGGGA[GA>G]CTGTGGCTTGCCGGTAAGACTGAGTGGGGTCTGCATGCTGCTTGGAGCTCCAGTGGGGGA-3'

ClinVar aggregate classification (germline): Pathogenic (1 of 4 stars; one submission).

Conditions:
Steel syndrome (STLS). Identifiers: Orphanet 438117, MedGen C3554594, MONDO:0014061, OMIM 615155.

Allele frequency attached by ClinVar (database versions not stated): TOPMed below 0.00001; ExAC 0.00001; gnomAD 0.00001.

Submission:

Women's Health and Genetics/Laboratory Corporation of America, LabCorp
Classification: Pathogenic for Steel syndrome. Last evaluated: 2024-03-12. Review status: criteria provided, single submitter. Criteria: LabCorp Variant Classification Summary - May 2015. Collection method: clinical testing. Allele origin: germline.
Comment: Variant summary: COL27A1 c.1895delA (p.Asp632AlafsX116) results in a premature termination codon, predicted to cause a truncation of the encoded protein or absence of the protein due to nonsense mediated decay, which are commonly known mechanisms for disease. The variant allele was found at a frequency of 5.3e-06 in 190298 control chromosomes. To our knowledge, no occurrence of c.1895delA in individuals affected with Steel syndrome and no experimental evidence demonstrating its impact on protein function have been reported. No submitters have cited clinical-significance assessments for this variant to ClinVar. Based on the evidence outlined above, the variant was classified as pathogenic.